The following is an entry in ClinVar:

ClinVar aggregate classification (germline): Uncertain significance (1 of 4 stars; one submission).

Conditions:
Dystonic disorder. Also called: Dystonia. Identifiers: MedGen C0013421, MONDO:0003441, HP:0001332.

Submission:

Labcorp Genetics (formerly Invitae), Labcorp
Classification: Uncertain significance for Dystonic disorder. Last evaluated: 2024-11-15. Review status: criteria provided, single submitter. Criteria: Invitae Variant Classification Sherloc (09022015). Collection method: clinical testing. Allele origin: germline.
Comment: This sequence change replaces tyrosine, which is neutral and polar, with cysteine, which is neutral and slightly polar, at codon 123 of the SPR protein (p.Tyr123Cys). This variant is not present in population databases (gnomAD no frequency). This missense change has been observed in individual(s) with clinical features of SPR-related conditions (PMID: 24588500). It has also been observed to segregate with disease in related individuals. ClinVar contains an entry for this variant (Variation ID: 1516774). Invitae Evidence Modeling of protein sequence and biophysical properties (such as structural, functional, and spatial information, amino acid conservation, physicochemical variation, residue mobility, and thermodynamic stability) indicates that this missense variant is expected to disrupt SPR protein function with a positive predictive value of 80%. In summary, the available evidence is currently insufficient to determine the role of this variant in disease. Therefore, it has been classified as a Variant of Uncertain Significance.

Literature cited by the submitters: PubMed 24588500.

NM_003124.5(SPR):c.368A>G (p.Tyr123Cys)

Gene: SPR (sepiapterin reductase; plus strand). Cytogenetic location: 2p13.2.
Variant type: single nucleotide variant.
Coding change: c.368A>G on transcript NM_003124.5 (MANE Select); coding-DNA position 368, A replaced by G.
Protein change: p.Tyr123Cys; replaces tyrosine 123 with cysteine.
Molecular consequence: missense variant.
Genome position (GRCh38, 1-based): chr2:72,888,377, A>G. VCF-style: chr2-72888377-A-G. GRCh37 (hg19) VCF-style: chr2-73115506-A-G.
Other names: short protein forms Y123C.
Identifiers: ClinVar variation 1516774 (VCV001516774.8), dbSNP rs1024333245, ClinGen allele CA49796107.
Genomic context (GRCh38, chr2:72,888,377, plus strand): 5'-CTCTTGGGGATGTGTCCAAAGGCTTCGTGGACCTGAGTGACTCCACTCAAGTGAACAACT[A>G]CTGGGCACTGAACTTGACCTCCATGCTCTGCCTGACTTCCAGCGTCCTGAAGGCCTTCCC-3'
Protein context (NP_003115.1, residues 113-133): DLSDSTQVNN[Tyr123Cys]WALNLTSMLC